The following is an entry in ClinVar:

ClinVar aggregate classification (germline): Benign. Review status: criteria provided, multiple submitters, no conflicts (2 of 4 stars). 5 submissions from 5 submitters: Benign (5). Last evaluated 2026-02-03.

Conditions:
Retinal dystrophy. Also called: Inherited retinal dystrophy. Identifiers: Orphanet 71862, MedGen C0854723, MeSH D058499, MONDO:0019118, HP:0000556.
Retinitis pigmentosa 54 (RP54). Identifiers: Orphanet 791, MedGen C3150691, MONDO:0013263, OMIM 613428.
Retinitis pigmentosa (RP). Identifiers: Orphanet 791, MedGen C0035334, MeSH D012174, MONDO:0019200, OMIM 268000. Inheritance: Autosomal dominant, autosomal recessive and X linked inheritance.

Allele frequency attached by ClinVar (database versions not stated): gnomAD exomes 0.26487; ExAC 0.26830; gnomAD 0.29865 and 0.29962; ESP Exome Variant Server 0.30412; TOPMed 0.31908; 1000 Genomes Project 30x 0.33026; 1000 Genomes Project 0.33167.
gnomAD v4.1: 444,616 of 1,613,810 alleles (28%); highest among the groups gnomAD compares: East Asian, 43%; 63,720 homozygotes.

Submissions (5):

Labcorp Genetics (formerly Invitae), Labcorp
Classification: Benign. Last evaluated: 2026-02-03. Review status: criteria provided, single submitter. Criteria: Invitae Variant Classification Sherloc (09022015). Collection method: clinical testing. Allele origin: germline.

Dept Of Ophthalmology, Nagoya University
Classification: Benign for Retinal dystrophy. Last evaluated: 2023-10-01. Review status: criteria provided, single submitter. Criteria: Submitter's publication. Collection method: research. Allele origin: germline. Affected: yes.

Genome-Nilou Lab
Classification: Benign for Retinitis pigmentosa 54. Last evaluated: 2021-07-14. Review status: criteria provided, single submitter. Criteria: ACMG Guidelines, 2015. Collection method: clinical testing. Allele origin: germline. Affected: no.

Illumina Laboratory Services, Illumina
Classification: Benign for Retinitis pigmentosa. Last evaluated: 2018-01-12. Review status: criteria provided, single submitter. Criteria: ICSL Variant Classification Criteria 13 December 2019. Collection method: clinical testing. Allele origin: germline.
Comment: This variant was observed in the ICSL laboratory as part of a predisposition screen in an ostensibly healthy population. It had not been previously curated by ICSL or reported in the Human Gene Mutation Database (HGMD: prior to June 1st, 2018), and was therefore a candidate for classification through an automated scoring system. Utilizing variant allele frequency, disease prevalence and penetrance estimates, and inheritance mode, an automated score was calculated to assess if this variant is too frequent to cause the disease. Based on the score and internal cut-off values, a variant classified as benign is not then subjected to further curation. The score for this variant resulted in a classification of benign for this disease.

Breakthrough Genomics
Classification: Benign. Review status: criteria provided, single submitter. Criteria: ACMG Guidelines, 2015. Collection method: not provided. Allele origin: germline. Inheritance: Unknown mechanism. Affected: yes.

NM_001029883.3(PCARE):c.1452C>T (p.Ser484=)

Gene: PCARE (photoreceptor cilium actin regulator; minus strand). Cytogenetic location: 2p23.2.
Variant type: single nucleotide variant.
Coding change: c.1452C>T on transcript NM_001029883.3 (MANE Select); coding-DNA position 1452, C replaced by T.
Protein change: p.Ser484=; no amino-acid change (serine 484 retained).
Molecular consequence: synonymous variant.
Genome position (GRCh38, 1-based): chr2:29,072,810, G>A on the plus strand (C>T on the coding strand, the complement: PCARE is on the minus strand). VCF-style: chr2-29072810-G-A. GRCh37 (hg19) VCF-style: chr2-29295676-G-A.
Identifiers: ClinVar variation 335662 (VCV000335662.18), dbSNP rs13385188, ClinGen allele CA1592419.